The following is an entry in ClinVar:

NM_006734.4(HIVEP2):c.2793C>T (p.Pro931=)

Gene: HIVEP2 (HIVEP zinc finger 2; minus strand). Cytogenetic location: 6q24.2.
Variant type: single nucleotide variant.
Coding change: c.2793C>T on transcript NM_006734.4 (MANE Select); coding-DNA position 2793, C replaced by T.
Protein change: p.Pro931=; no amino-acid change (proline 931 retained).
Molecular consequence: synonymous variant.
Genome position (GRCh38, 1-based): chr6:142,771,946, G>A on the plus strand (C>T on the coding strand, the complement: HIVEP2 is on the minus strand). VCF-style: chr6-142771946-G-A. GRCh37 (hg19) VCF-style: chr6-143093083-G-A.
Identifiers: ClinVar variation 750537 (VCV000750537.30), dbSNP rs202053743, ClinGen allele CA4028363.

ClinVar aggregate classification (germline): Benign/Likely benign. Review status: criteria provided, multiple submitters, no conflicts (2 of 4 stars). 2 submissions from 2 submitters: Benign (1); Likely benign (1). Last evaluated 2026-01-26.

Allele frequency attached by ClinVar (database versions not stated): gnomAD 0.00032; TOPMed 0.00068; ESP Exome Variant Server 0.00084.
gnomAD v4.1: 1,364 of 1,614,014 alleles (0.085%); highest among the groups gnomAD compares: Non-Finnish European, 0.11%; 3 homozygotes.

Submissions (2):

Labcorp Genetics (formerly Invitae), Labcorp
Classification: Benign. Last evaluated: 2026-01-26. Review status: criteria provided, single submitter. Criteria: Invitae Variant Classification Sherloc (09022015). Collection method: clinical testing. Allele origin: germline.

CeGaT Center for Human Genetics Tuebingen
Classification: Likely benign. Last evaluated: 2025-06-01. Review status: criteria provided, single submitter. Criteria: CeGaT Center For Human Genetics Tuebingen Variant Classification Criteria Version 2. Collection method: clinical testing. Allele origin: germline. Affected: yes. Observed: 2 variant alleles.
Comment: HIVEP2: BP4, BP7